The following is an entry in ClinVar:

NM_002354.3(EPCAM):c.841G>A (p.Ala281Thr)

Gene: EPCAM (epithelial cell adhesion molecule; plus strand). Cytogenetic location: 2p21.
Variant type: single nucleotide variant.
Coding change: c.841G>A on transcript NM_002354.3 (MANE Select); coding-DNA position 841, G replaced by A.
Protein change: p.Ala281Thr; replaces alanine 281 with threonine.
Molecular consequence: missense variant.
Genome position (GRCh38, 1-based): chr2:47,379,952, G>A. VCF-style: chr2-47379952-G-A. GRCh37 (hg19) VCF-style: chr2-47607091-G-A.
Other names: short protein forms A281T.
Identifiers: ClinVar variation 2452149 (VCV002452149.2), dbSNP rs752488919, ClinGen allele CA1649165.

ClinVar aggregate classification (germline): Uncertain significance (1 of 4 stars; one submission).

Conditions:
Hereditary cancer-predisposing syndrome. Also called: Neoplastic Syndromes, Hereditary; Tumor predisposition; Hereditary neoplastic syndrome; Hereditary Cancer Syndrome. Identifiers: Orphanet 140162, MedGen C0027672, MeSH D009386, MONDO:0015356.

Submission:

Ambry Genetics
Classification: Uncertain significance for Hereditary cancer-predisposing syndrome. Last evaluated: 2022-11-05. Review status: criteria provided, single submitter. Criteria: Ambry Variant Classification Scheme 2023. Collection method: clinical testing. Allele origin: germline.
Comment: The p.A281T variant (also known as c.841G>A), located in coding exon 7 of the EPCAM gene, results from a G to A substitution at nucleotide position 841. The alanine at codon 281 is replaced by threonine, an amino acid with similar properties. This amino acid position is conserved. In addition, the in silico prediction for this alteration is inconclusive. Since supporting evidence is limited at this time, the clinical significance of this alteration remains unclear.